The following is an entry in ClinVar:

NM_024408.4(NOTCH2):c.7218T>C (p.Gly2406=)

Gene: NOTCH2 (notch receptor 2; minus strand). Cytogenetic location: 1p12.
Variant type: single nucleotide variant.
Coding change: c.7218T>C on transcript NM_024408.4 (MANE Select); coding-DNA position 7218, T replaced by C.
Protein change: p.Gly2406=; no amino-acid change (glycine 2406 retained).
Molecular consequence: synonymous variant.
Genome position (GRCh38, 1-based): chr1:119,915,504, A>G on the plus strand (T>C on the coding strand, the complement: NOTCH2 is on the minus strand). VCF-style: chr1-119915504-A-G. GRCh37 (hg19) VCF-style: chr1-120458127-A-G.
Identifiers: ClinVar variation 2061656 (VCV002061656.18), dbSNP rs917979460, ClinGen allele CA420033974.

ClinVar aggregate classification (germline): Likely benign. Review status: criteria provided, multiple submitters, no conflicts (2 of 4 stars). 2 submissions from 2 submitters: Likely benign (2). Last evaluated 2024-10-01.

Conditions:
Hajdu-Cheney syndrome (HJCYS). Also called: ACROOSTEOLYSIS WITH OSTEOPOROSIS AND CHANGES IN SKULL AND MANDIBLE; Acroosteolysis dominant type; SERPENTINE FIBULA-POLYCYSTIC KIDNEY SYNDROME. Identifiers: Orphanet 955, MedGen C0917715, MONDO:0007057, OMIM 102500.

Allele frequency attached by ClinVar (database versions not stated): gnomAD 0.00001.
gnomAD v4.1: 15 of 1,613,944 alleles (0.00093%); highest among the groups gnomAD compares: East Asian, 0.0022%; no homozygotes.

Submissions (2):

CeGaT Center for Human Genetics Tuebingen
Classification: Likely benign. Last evaluated: 2024-10-01. Review status: criteria provided, single submitter. Criteria: CeGaT Center For Human Genetics Tuebingen Variant Classification Criteria Version 2. Collection method: clinical testing. Allele origin: germline. Affected: yes. Observed: 1 variant allele.
Comment: NOTCH2: BP4, BP7

Labcorp Genetics (formerly Invitae), Labcorp
Classification: Likely benign for Hajdu-Cheney syndrome. Last evaluated: 2022-09-23. Review status: criteria provided, single submitter. Criteria: Invitae Variant Classification Sherloc (09022015). Collection method: clinical testing. Allele origin: germline.